The following is an entry in ClinVar:

ClinVar aggregate classification (germline): Pathogenic (1 of 4 stars; one submission).

Conditions:
Hereditary nonpolyposis colorectal neoplasms. Identifiers: MedGen C0009405, MeSH D003123.

Submission:

Labcorp Genetics (formerly Invitae), Labcorp
Classification: Pathogenic for Hereditary nonpolyposis colorectal neoplasms. Last evaluated: 2025-06-11. Review status: criteria provided, single submitter. Criteria: Invitae Variant Classification Sherloc (09022015). Collection method: clinical testing. Allele origin: germline.
Comment: This sequence change creates a premature translational stop signal (p.Asn1307Lysfs*12) in the MSH6 gene. It is expected to result in an absent or disrupted protein product. Loss-of-function variants in MSH6 are known to be pathogenic (PMID: 18269114, 24362816). This variant is not present in population databases (gnomAD no frequency). This variant has not been reported in the literature in individuals affected with MSH6-related conditions. ClinVar contains an entry for this variant (Variation ID: 3650639). For these reasons, this variant has been classified as Pathogenic.

Literature cited by the submitters: PubMed 18269114; PubMed 24362816.

NM_000179.3(MSH6):c.3920dup (p.Asn1307fs)

Gene: MSH6 (mutS homolog 6; plus strand). Cytogenetic location: 2p16.3.
Variant type: Duplication.
Coding change: c.3920dup on transcript NM_000179.3 (MANE Select); coding-DNA position 3920, one base duplicated (A; older notation c.3920dupA).
Protein change: p.Asn1307fs; shifts the reading frame from asparagine 1307.
Molecular consequence: frameshift variant. On other transcripts: non-coding transcript variant (5), intron variant (1).
Genome position (GRCh38, 1-based): chr2:47,806,570, A duplicated; the last of 2 consecutive A bases (chr2:47,806,569-47,806,570); duplicating either gives the same sequence. VCF-style (leftmost placement, unchanged base first): chr2-47806568-T-TA. GRCh37 (hg19) VCF-style: chr2-48033707-T-TA.
Other names: c.3623dup, p.Asn1208fs (NM_001406824.1, NM_001406825.1, NM_001406827.1 and 10 more transcripts); c.3752dup, p.Asn1251fs (NM_001406826.1); c.3014dup, p.Asn1005fs (NM_001406829.1, NM_001281493.2, NM_001281494.2 and 6 more transcripts); c.701dup, p.Asn234fs (NM_001406831.1); c.767dup, p.Asn256fs (NM_001406832.1); c.1865dup, p.Asn622fs (NM_001407362.1); c.3898-209dup (NM_001406802.1); c.3530dup, p.Asn1177fs (NM_001281492.2); and 9 more; short protein forms N1132fs, N1249fs, N1309fs, N622fs, N1307fs, N1005fs, N1019fs, N1177fs.
Identifiers: ClinVar variation 3650639 (VCV003650639.2).
Genomic context (GRCh38, chr2:47,806,568, plus strand): 5'-CTATAAATTCATTAAGGGAGCTTGTCCTAAAAGCTATGGCTTTAATGCAGCAAGGCTTGC[T>TA]AATCTCCCAGAGGAAGTTATTCAAAAGGGACATAGAAAAGCAAGAGAATTTGAGAAGATG-3'